The following is an entry in ClinVar:

NM_001203.3(BMPR1B):c.1081A>G (p.Thr361Ala)

Gene: BMPR1B (bone morphogenetic protein receptor type 1B; plus strand). Cytogenetic location: 4q22.3.
Variant type: single nucleotide variant.
Coding change: c.1081A>G on transcript NM_001203.3 (MANE Select); coding-DNA position 1081, A replaced by G.
Protein change: p.Thr361Ala; replaces threonine 361 with alanine.
Molecular consequence: missense variant.
Genome position (GRCh38, 1-based): chr4:95,148,752, A>G. VCF-style: chr4-95148752-A-G. GRCh37 (hg19) VCF-style: chr4-96069903-A-G.
Other names: c.1081A>G (NM_001203.2); c.1081A>G, p.Thr361Ala (NM_001256792.2, NM_001256794.1); c.1171A>G, p.Thr391Ala (NM_001256793.2); short protein forms T361A, T391A.
Identifiers: ClinVar variation 1435152 (VCV001435152.9), dbSNP rs1179983257, ClinGen allele CA357685460.

ClinVar aggregate classification (germline): Uncertain significance. Review status: criteria provided, multiple submitters, no conflicts (2 of 4 stars). 2 submissions from 2 submitters: Uncertain significance (2). Last evaluated 2025-05-16.

Conditions:
Type A2 brachydactyly (BDA2). Also called: Brachymesophalangy type 2; MOHR-WRIEDT TYPE BRACHYDACTYLY; BRACHYMESOPHALANGY II. Identifiers: Orphanet 93396, MedGen C1832702, MONDO:0007216, OMIM 112600, HP:0009372.
Acromesomelic dysplasia 3 (AMD3). Also called: Acromesomelic dysplasia, Demirhan type; CHONDRODYSPLASIA, ACROMESOMELIC, WITH OR WITHOUT GENITAL ANOMALIES. Identifiers: MedGen C4225404, MONDO:0012274, OMIM 609441.
Inborn genetic diseases. Identifiers: MedGen C0950123, MeSH D030342.

Allele frequency attached by ClinVar (database versions not stated): gnomAD exomes below 0.00001; TOPMed below 0.00001; gnomAD 0.00001.
gnomAD v4.1: 3 of 1,613,766 alleles (0.00019%); highest among the groups gnomAD compares: South Asian, 0.0011%; no homozygotes.

Submissions (2):

Ambry Genetics
Classification: Uncertain significance for Inborn genetic diseases. Last evaluated: 2025-05-16. Review status: criteria provided, single submitter. Criteria: Ambry Variant Classification Scheme 2023. Collection method: clinical testing. Allele origin: germline.

Labcorp Genetics (formerly Invitae), Labcorp
Classification: Uncertain significance for Type A2 brachydactyly; Acromesomelic dysplasia 3. Last evaluated: 2023-10-22. Review status: criteria provided, single submitter. Criteria: Invitae Variant Classification Sherloc (09022015). Collection method: clinical testing. Allele origin: germline.
Comment: This sequence change replaces threonine, which is neutral and polar, with alanine, which is neutral and non-polar, at codon 361 of the BMPR1B protein (p.Thr361Ala). This variant is not present in population databases (gnomAD no frequency). This variant has not been reported in the literature in individuals affected with BMPR1B-related conditions. ClinVar contains an entry for this variant (Variation ID: 1435152). Advanced modeling of protein sequence and biophysical properties (such as structural, functional, and spatial information, amino acid conservation, physicochemical variation, residue mobility, and thermodynamic stability) performed at Invitae indicates that this missense variant is not expected to disrupt BMPR1B protein function. In summary, the available evidence is currently insufficient to determine the role of this variant in disease. Therefore, it has been classified as a Variant of Uncertain Significance.